The following is an entry in ClinVar:

NM_000038.6(APC):c.2721G>A (p.Gly907=)

Gene: APC (APC regulator of Wnt signaling pathway; plus strand). Cytogenetic location: 5q22.2.
Variant type: single nucleotide variant.
Coding change: c.2721G>A on transcript NM_000038.6 (MANE Select); coding-DNA position 2721, G replaced by A.
Protein change: p.Gly907=; no amino-acid change (glycine 907 retained).
Molecular consequence: synonymous variant. On other transcripts: non-coding transcript variant (2).
Genome position (GRCh38, 1-based): chr5:112,838,315, G>A. VCF-style: chr5-112838315-G-A. GRCh37 (hg19) VCF-style: chr5-112174012-G-A.
Other names: c.2721G>A, p.Gly907= (NM_001127510.3, NM_001354895.2, NM_001407450.1); c.2667G>A, p.Gly889= (NM_001127511.3); c.2775G>A, p.Gly925= (NM_001354896.2, NM_001407447.1, NM_001407448.1 and 1 more transcripts); c.2751G>A, p.Gly917= (NM_001354897.2); c.2646G>A, p.Gly882= (NM_001354898.2); c.2637G>A, p.Gly879= (NM_001354899.2); c.2598G>A, p.Gly866= (NM_001354900.2); c.2544G>A, p.Gly848= (NM_001354901.2, NM_001407453.1); and 11 more.
Identifiers: ClinVar variation 3148208 (VCV003148208.1), dbSNP rs2149875988, ClinGen allele CA445963034.

ClinVar aggregate classification (germline): Benign (1 of 4 stars; one submission).

Conditions:
Familial adenomatous polyposis 1 (FAP1). Also called: POLYPOSIS, ADENOMATOUS INTESTINAL; FAMILIAL ADENOMATOUS POLYPOSIS 1, ATTENUATED. Identifiers: MedGen C2713442, MONDO:0021056, OMIM 175100. Disease mechanism: loss of function.

Submission:

Myriad Genetics, Inc.
Classification: Benign for Familial adenomatous polyposis 1. Last evaluated: 2024-03-15. Review status: criteria provided, single submitter. Criteria: Myriad Autosomal Dominant, Autosomal Recessive and X-Linked Classification Criteria (2023). Collection method: clinical testing. Allele origin: unknown.
Comment: This variant is considered benign. This variant is a silent/synonymous amino acid change and it is not expected to impact splicing.